The following is an entry in ClinVar:

NM_032119.4(ADGRV1):c.3289+118G>A

Gene: ADGRV1 (adhesion G protein-coupled receptor V1; plus strand). Cytogenetic location: 5q14.3.
Variant type: single nucleotide variant.
Coding change: c.3289+118G>A on transcript NM_032119.4 (MANE Select); 118 bases into the intron after coding-DNA position 3289, G replaced by A.
Molecular consequence: intron variant.
Genome position (GRCh38, 1-based): chr5:90,647,882, G>A. VCF-style: chr5-90647882-G-A. GRCh37 (hg19) VCF-style: chr5-89943699-G-A.
Identifiers: ClinVar variation 678816 (VCV000678816.1), dbSNP rs12186867, ClinGen allele CA15367587.

ClinVar aggregate classification (germline): Benign (1 of 4 stars; one submission).

Allele frequency attached by ClinVar (database versions not stated): gnomAD 0.39588; 1000 Genomes Project 30x 0.40928; 1000 Genomes Project 0.41154; TOPMed 0.41180.
gnomAD v4.1: 356,629 of 843,692 alleles (42%); highest among the groups gnomAD compares: Admixed American, 57%; 76,775 homozygotes.

Submission:

GeneDx
Classification: Benign. Last evaluated: 2018-06-14. Review status: criteria provided, single submitter. Criteria: GeneDx Variant Classification (06012015). Collection method: clinical testing. Allele origin: germline. Affected: yes.
Comment: This variant is considered likely benign or benign based on one or more of the following criteria: it is a conservative change, it occurs at a poorly conserved position in the protein, it is predicted to be benign by multiple in silico algorithms, and/or has population frequency not consistent with disease.